The following is an entry in ClinVar:

ClinVar aggregate classification (germline): Pathogenic. Review status: criteria provided, multiple submitters, no conflicts (2 of 4 stars). 2 submissions from 2 submitters: Pathogenic (2). Last evaluated 2018-03-01.

Conditions:
Duchenne muscular dystrophy (DMD). Also called: MUSCULAR DYSTROPHY, PSEUDOHYPERTROPHIC PROGRESSIVE, DUCHENNE TYPE; Duchenne Muscular Dystrophy (DMD). Identifiers: Orphanet 98896, MedGen C0013264, MONDO:0010679, OMIM 310200.

Submissions (2):

Labcorp Genetics (formerly Invitae), Labcorp
Classification: Pathogenic for Duchenne muscular dystrophy. Last evaluated: 2018-03-01. Review status: criteria provided, single submitter. Criteria: Invitae Variant Classification Sherloc (09022015). Collection method: clinical testing. Allele origin: germline.
Comment: For these reasons, this variant has been classified as Pathogenic. Loss-of-function variants in DMD are known to be pathogenic (PMID: 16770791, 25007885). This variant has not been reported in the literature in individuals with DMD-related disease. This variant is not present in population databases (ExAC no frequency). This sequence change creates a premature translational stop signal (p.Arg2689Thrfs*19) in the DMD gene. It is expected to result in an absent or disrupted protein product.

Eurofins Ntd Llc (ga)
Classification: Pathogenic. Last evaluated: 2017-06-14. Review status: criteria provided, single submitter. Criteria: EGL Classification Definitions 2015. Collection method: clinical testing. Allele origin: germline. Observed: 1 variant allele, 1 hemizygote.

Literature cited by the submitters: PubMed 16770791 (cited by Labcorp Genetics (formerly Invitae), Labcorp); PubMed 25007885 (cited by Labcorp Genetics (formerly Invitae), Labcorp).

NM_004006.3(DMD):c.8066_8070del (p.Arg2689fs)

Gene: DMD (dystrophin; minus strand). Cytogenetic location: Xp21.1.
Variant type: Deletion.
Coding change: c.8066_8070del on transcript NM_004006.3 (MANE Select); coding-DNA positions 8066 to 8070, 5 bases deleted (GATTA; older notation c.8066_8070delGATTA).
Protein change: p.Arg2689fs; shifts the reading frame from arginine 2689.
Molecular consequence: frameshift variant.
Genome position (GRCh38, 1-based): chrX:31,627,820-31,627,824, TAATC deleted on the plus strand (GATTA on the coding strand, the reverse complement: DMD is on the minus strand); deleting any 5 consecutive bases within chrX:31,627,820-31,627,826 gives the same sequence; the c. name uses the placement nearest the transcript's 3' end. VCF-style (leftmost placement, unchanged base first): chrX-31627819-GTAATC-G. GRCh37 (hg19) VCF-style: chrX-31645936-GTAATC-G.
Other names: c.8042_8046del, p.Arg2681fs (NM_000109.4); c.8054_8058del, p.Arg2685fs (NM_004009.3); c.7697_7701del, p.Arg2566fs (NM_004010.3); c.4043_4047del, p.Arg1348fs (NM_004011.4); c.4034_4038del, p.Arg1345fs (NM_004012.4); c.686_690del, p.Arg229fs (NM_004013.3, NM_004020.4, NM_004021.3 and 2 more transcripts); c.8066_8070delGATTA (NM_004006.2); short protein forms R2685fs, R1348fs, R2566fs, R2681fs, R2689fs, R1345fs, R229fs.
Identifiers: ClinVar variation 502441 (VCV000502441.11), dbSNP rs1556764934, ClinGen allele CA658799641.